The following is an entry in ClinVar:

ClinVar aggregate classification (germline): Uncertain significance. Review status: criteria provided, multiple submitters, no conflicts (2 of 4 stars). 6 submissions from 6 submitters: Uncertain significance (5). 1 of the submissions does not count toward it. Last evaluated 2026-01-24.

Conditions:
Hereditary cancer-predisposing syndrome. Also called: Hereditary Cancer Syndrome; Neoplastic Syndromes, Hereditary; Tumor predisposition; Hereditary neoplastic syndrome. Identifiers: Orphanet 140162, MedGen C0027672, MeSH D009386, MONDO:0015356.
Hereditary diffuse gastric adenocarcinoma (HDGC). Also called: DIFFUSE GASTRIC AND LOBULAR BREAST CANCER SYNDROME. Identifiers: Orphanet 26106, MedGen C1708349, MONDO:0007648, OMIM 137215.
Familial cancer of breast. Also called: Hereditary breast cancer; hereditary breast carcinoma; BREAST CANCER, FAMILIAL. Identifiers: Orphanet 227535, MedGen C0346153, MONDO:0016419, OMIM 114480. Disease mechanism: loss of function.

Allele frequency attached by ClinVar (database versions not stated): gnomAD exomes below 0.00001; TOPMed below 0.00001; ExAC 0.00001.

Submissions (6):

Labcorp Genetics (formerly Invitae), Labcorp
Classification: Uncertain significance for Hereditary diffuse gastric adenocarcinoma. Last evaluated: 2026-01-24. Review status: criteria provided, single submitter. Criteria: Invitae Variant Classification Sherloc (09022015). Collection method: clinical testing. Allele origin: germline.
Comment: This sequence change replaces leucine, which is neutral and non-polar, with valine, which is neutral and non-polar, at codon 276 of the CDH1 protein (p.Leu276Val). This variant is present in population databases (rs750911401, gnomAD 0.0009%). This variant has not been reported in the literature in individuals affected with CDH1-related conditions. ClinVar contains an entry for this variant (Variation ID: 230201). An algorithm developed to predict the effect of missense changes on protein structure and function outputs the following: PolyPhen-2: "Benign". The valine amino acid residue is found in multiple mammalian species, which suggests that this missense change does not adversely affect protein function. In summary, the available evidence is currently insufficient to determine the role of this variant in disease. Therefore, it has been classified as a Variant of Uncertain Significance.

Ambry Genetics
Classification: Uncertain significance for Hereditary cancer-predisposing syndrome. Last evaluated: 2024-05-20. Review status: criteria provided, single submitter. Criteria: Ambry Variant Classification Scheme 2023. Collection method: clinical testing. Allele origin: germline.
Comment: The p.L276V variant (also known as c.826C>G), located in coding exon 6 of the CDH1 gene, results from a C to G substitution at nucleotide position 826. The leucine at codon 276 is replaced by valine, an amino acid with highly similar properties. This amino acid position is not well conserved; however, valine is the reference amino acid in several species. In addition, this alteration is predicted to be tolerated by in silico analysis. Since supporting evidence is limited at this time, the clinical significance of this alteration remains unclear.

Baylor Genetics
Classification: Uncertain significance for Familial cancer of breast. Last evaluated: 2024-02-22. Review status: criteria provided, single submitter. Criteria: ACMG Guidelines, 2015. Collection method: clinical testing. Allele origin: unknown.

Myriad Genetics, Inc.
Classification: Uncertain significance for Hereditary diffuse gastric adenocarcinoma. Last evaluated: 2023-03-03. Review status: criteria provided, single submitter. Criteria: Myriad Autosomal Dominant, Autosomal Recessive and X-Linked Classification Criteria (2023). Collection method: clinical testing. Allele origin: unknown.
Comment: This variant is classified as a variant of uncertain significance as there is insufficient evidence to determine its impact on protein function and/or cancer risk.

Sema4
Classification: Uncertain significance for Hereditary cancer-predisposing syndrome. Last evaluated: 2022-02-16. Review status: criteria provided, single submitter. Criteria: Sema4 Curation Guidelines. Collection method: curation. Allele origin: germline.
Comment: The CDH1 c.826C>G (p.L276V) variant has not been reported in the literature to our knowledge. It was observed in 1/113690 chromosomes of the Non-Finnish European (NFE) subpopulation in the large and broad cohorts of the Genome Aggregation Database (PMID: 32461654). This variant has been reported in ClinVar (Variation ID 230201). In silico tools suggest the impact of the variant on protein function is benign, though these predictions have not been confirmed by functional studies. There is no indication that this variant causes disease, but the evidence is insufficient currently to prove that conclusively. Thus, the clinical significance of this variant is currently uncertain.

Counsyl
Classification: Uncertain significance for Hereditary diffuse gastric adenocarcinoma. Last evaluated: 2017-09-06. Review status: no assertion criteria provided. Collection method: clinical testing. Allele origin: unknown. Not counted in ClinVar's aggregate classification.

NM_004360.5(CDH1):c.826C>G (p.Leu276Val)

Gene: CDH1 (cadherin 1; plus strand). Cytogenetic location: 16q22.1.
Variant type: single nucleotide variant.
Coding change: c.826C>G on transcript NM_004360.5 (MANE Select); coding-DNA position 826, C replaced by G.
Protein change: p.Leu276Val; replaces leucine 276 with valine.
Molecular consequence: missense variant. On other transcripts: 5 prime UTR variant (2).
Genome position (GRCh38, 1-based): chr16:68,810,335, C>G. VCF-style: chr16-68810335-C-G. GRCh37 (hg19) VCF-style: chr16-68844238-C-G.
Other names: c.826C>G, p.Leu276Val (NM_001317184.2); c.-790C>G (NM_001317185.2); c.-994C>G (NM_001317186.2); c.826C>G (LRG_301t1); short protein forms L276V.
Identifiers: ClinVar variation 230201 (VCV000230201.20), dbSNP rs750911401, ClinGen allele CA8129935.
Genomic context (GRCh38, chr16:68,810,335, plus strand): 5'-AATGACAACAAGCCCGAATTCACCCAGGAGGTCTTTAAGGGGTCTGTCATGGAAGGTGCT[C>G]TTCCAGGTATATCCACTAATGAGAATCTGAATACTCAGAAAGACTCTTAGGTTCTTTGGA-3'
Protein context (NP_004351.1, residues 266-286): VFKGSVMEGA[Leu276Val]PGTSVMEVTA